The following is an entry in ClinVar:

NM_000257.4(MYH7):c.5560-14C>A

Gene: MYH7 (myosin heavy chain 7; minus strand). Cytogenetic location: 14q11.2.
Variant type: single nucleotide variant.
Coding change: c.5560-14C>A on transcript NM_000257.4 (MANE Select); 14 bases into the intron before coding-DNA position 5560, C replaced by A.
Molecular consequence: intron variant.
Genome position (GRCh38, 1-based): chr14:23,414,116, G>T on the plus strand (C>A on the coding strand, the complement: MYH7 is on the minus strand). VCF-style: chr14-23414116-G-T. GRCh37 (hg19) VCF-style: chr14-23883325-G-T.
Identifiers: ClinVar variation 628872 (VCV000628872.11), dbSNP rs375621171, ClinGen allele CA047392.

ClinVar aggregate classification (germline): Likely benign. Review status: criteria provided, multiple submitters, no conflicts (2 of 4 stars). 4 submissions from 4 submitters: Likely benign (4). Last evaluated 2026-01-22.

Conditions:
Cardiomyopathy (CMYO). Also called: Cardiomyopathies. Identifiers: Orphanet 167848, MedGen C0878544, MONDO:0004994, HP:0001638. Inheritance: Various modes of inheritance.
Hypertrophic cardiomyopathy. Also called: HYPERTROPHIC MYOCARDIOPATHY. Identifiers: Orphanet 217569, MedGen C0007194, MeSH D002312, MONDO:0005045, HP:0001639.

Allele frequency attached by ClinVar (database versions not stated): gnomAD exomes 0.00002 and 0.00006; TOPMed 0.00002; ExAC 0.00003; gnomAD 0.00003; ESP Exome Variant Server 0.00008.
gnomAD v4.1: 85 of 1,608,650 alleles (0.0053%); highest among the groups gnomAD compares: Admixed American, 0.0067%; no homozygotes.

Submissions (4):

Labcorp Genetics (formerly Invitae), Labcorp
Classification: Likely benign for Hypertrophic cardiomyopathy. Last evaluated: 2026-01-22. Review status: criteria provided, single submitter. Criteria: Invitae Variant Classification Sherloc (09022015). Collection method: clinical testing. Allele origin: germline.

Women's Health and Genetics/Laboratory Corporation of America, LabCorp
Classification: Likely benign. Last evaluated: 2024-12-12. Review status: criteria provided, single submitter. Criteria: LabCorp Variant Classification Summary - May 2015. Collection method: clinical testing. Allele origin: germline.

All of Us Research Program, National Institutes of Health
Classification: Likely benign for Cardiomyopathy. Last evaluated: 2024-01-11. Review status: criteria provided, single submitter. Criteria: ACMG Guidelines, 2015. Collection method: clinical testing. Allele origin: germline. Inheritance: Autosomal dominant inheritance. Observed: 10 variant alleles, 10 heterozygotes.
Comment: This study involves interpretation of variants in research participants for the purpose of population health screening. Participant phenotype was not available at the time of variant classification. Additional details can be found in publication PMID: 35346344, PMCID: PMC8962531

Color Diagnostics, LLC DBA Color Health
Classification: Likely benign for Cardiomyopathy. Last evaluated: 2018-07-15. Review status: criteria provided, single submitter. Criteria: ACMG Guidelines, 2015. Collection method: clinical testing. Allele origin: germline.